The following is an entry in ClinVar:

NM_000302.4(PLOD1):c.1191C>G (p.Ile397Met)

Gene: PLOD1 (procollagen-lysine,2-oxoglutarate 5-dioxygenase 1; plus strand). Cytogenetic location: 1p36.22.
Variant type: single nucleotide variant.
Coding change: c.1191C>G on transcript NM_000302.4 (MANE Select); coding-DNA position 1191, C replaced by G.
Protein change: p.Ile397Met; replaces isoleucine 397 with methionine.
Molecular consequence: missense variant.
Genome position (GRCh38, 1-based): chr1:11,963,625, C>G. VCF-style: chr1-11963625-C-G. GRCh37 (hg19) VCF-style: chr1-12023682-C-G.
Other names: c.1332C>G, p.Ile444Met (NM_001316320.2); short protein forms I397M, I444M.
Identifiers: ClinVar variation 3420922 (VCV003420922.1).

ClinVar aggregate classification (germline): Uncertain significance (1 of 4 stars; one submission).

Conditions:
Familial thoracic aortic aneurysm and aortic dissection (TAAD). Also called: Thoracic aortic aneurysms and dissections. Identifiers: Orphanet 91387, MedGen C4707243, MONDO:0019625.

gnomAD v4.1: 7 of 1,593,164 alleles (0.00044%); highest among the groups gnomAD compares: African/African-American, 0.0094%; no homozygotes.

Submission:

Ambry Genetics
Classification: Uncertain significance for Familial thoracic aortic aneurysm and aortic dissection. Last evaluated: 2024-07-04. Review status: criteria provided, single submitter. Criteria: Ambry Variant Classification Scheme 2023. Collection method: clinical testing. Allele origin: germline.
Comment: The p.I397M variant (also known as c.1191C>G), located in coding exon 11 of the PLOD1 gene, results from a C to G substitution at nucleotide position 1191. The isoleucine at codon 397 is replaced by methionine, an amino acid with highly similar properties. This amino acid position is conserved. In addition, the in silico prediction for this alteration is inconclusive. Based on the available evidence, the clinical significance of this variant remains unclear.